The following is an entry in ClinVar:

ClinVar aggregate classification (germline): Likely pathogenic (1 of 4 stars; one submission).

Conditions:
Renal dysplasia, cystic, susceptibility to. Identifiers: MedGen C3275898, MONDO:0011037, OMIM 601331.

Allele frequency attached by ClinVar (database versions not stated): gnomAD exomes below 0.00001.
gnomAD v4.1: 2 of 1,613,548 alleles (0.00012%); highest among the groups gnomAD compares: Non-Finnish European, 0.00017%; no homozygotes.

Submission:

MVZ Medizinische Genetik Mainz
Classification: Likely pathogenic for Renal dysplasia, cystic, susceptibility to. Last evaluated: 2022-11-24. Review status: criteria provided, single submitter. Criteria: UK Practice Guidelines For Variant Classification V4 01 2020. Collection method: clinical testing. Allele origin: germline. Inheritance: Autosomal dominant inheritance. Affected: yes. Observed: 1 variant allele.
Comment: ACMG Criteria: PVS1, PM2_SUP (ACMG Version 4)

NM_001080512.3(BICC1):c.1179+1G>T

Gene: BICC1 (BicC family RNA binding protein 1; plus strand). Cytogenetic location: 10q21.1.
Variant type: single nucleotide variant.
Coding change: c.1179+1G>T on transcript NM_001080512.3 (MANE Select); the canonical splice donor site of the intron after coding-DNA position 1179, G replaced by T.
Molecular consequence: splice donor variant.
Genome position (GRCh38, 1-based): chr10:58,793,616, G>T. VCF-style: chr10-58793616-G-T. GRCh37 (hg19) VCF-style: chr10-60553376-G-T.
Identifiers: ClinVar variation 3236040 (VCV003236040.1), dbSNP rs2132831777, ClinGen allele CA376971249.